The following is an entry in ClinVar:

NM_005120.3(MED12):c.3210-5_3210-4insGGAA

Gene: MED12 (mediator complex subunit 12; plus strand). Cytogenetic location: Xq13.1.
Variant type: Insertion.
Coding change: c.3210-5_3210-4insGGAA on transcript NM_005120.3 (MANE Select); 5 bases into the intron before coding-DNA position 3210 through 4 bases into the intron before coding-DNA position 3210, GGAA inserted.
Molecular consequence: intron variant.
Genome position: GRCh38 VCF-style: chrX-71128291-C-CGGAA. GRCh37 (hg19) VCF-style: chrX-70348141-C-CGGAA.
Identifiers: ClinVar variation 3654252 (VCV003654252.2).

ClinVar aggregate classification (germline): Uncertain significance (1 of 4 stars; one submission).

Conditions:
FG syndrome (FGS). Identifiers: MedGen C0220769, MONDO:0002010.

Submission:

Labcorp Genetics (formerly Invitae), Labcorp
Classification: Uncertain significance for FG syndrome. Last evaluated: 2024-05-22. Review status: criteria provided, single submitter. Criteria: Invitae Variant Classification Sherloc (09022015). Collection method: clinical testing. Allele origin: germline.
Comment: This sequence change falls in intron 22 of the MED12 gene. It does not directly change the encoded amino acid sequence of the MED12 protein. This variant is not present in population databases (gnomAD no frequency). This variant has not been reported in the literature in individuals affected with MED12-related conditions. Algorithms developed to predict the effect of sequence changes on RNA splicing suggest that this variant may disrupt the consensus splice site. In summary, the available evidence is currently insufficient to determine the role of this variant in disease. Therefore, it has been classified as a Variant of Uncertain Significance.